The following is an entry in ClinVar:

ClinVar aggregate classification (germline): Pathogenic (1 of 4 stars; one submission).

Conditions:
Lysinuric protein intolerance (LPI). Identifiers: Orphanet 470, MedGen C0268647, MONDO:0009109, OMIM 222700.

Submission:

Labcorp Genetics (formerly Invitae), Labcorp
Classification: Pathogenic for Lysinuric protein intolerance. Last evaluated: 2023-09-29. Review status: criteria provided, single submitter. Criteria: Invitae Variant Classification Sherloc (09022015). Collection method: clinical testing. Allele origin: unknown.
Comment: This variant is a gross deletion of the genomic region encompassing exon(s) 4-5 of the SLC7A7 gene. This deletion is out-of-frame, and is expected to create a premature termination codon and result in an absent or disrupted protein product. Loss-of-function variants in SLC7A7 are known to be pathogenic (PMID: 10631139, 17764084). A similar copy number variant has been observed in individual(s) with lysinuric protein intolerance (PMID: 12402335). For these reasons, this variant has been classified as Pathogenic.

Literature cited by the submitters: PubMed 10631139; PubMed 17764084; PubMed 12402335.

NC_000014.8:g.(?_23247982)_(23249280_?)del

Gene: SLC7A7 (solute carrier family 7 member 7; minus strand). Cytogenetic location: 14q11.2.
Variant type: Deletion.
Identifiers: ClinVar variation 3243962 (VCV003243962.1).